The following is an entry in ClinVar:

ClinVar aggregate classification (germline): Uncertain significance. Review status: criteria provided, multiple submitters, no conflicts (2 of 4 stars). 2 submissions from 2 submitters: Uncertain significance (2). Last evaluated 2024-12-05.

Conditions:
Inborn genetic diseases. Identifiers: MedGen C0950123, MeSH D030342.

Allele frequency attached by ClinVar (database versions not stated): gnomAD exomes 0.00001.
gnomAD v4.1: 12 of 1,612,994 alleles (0.00074%); highest among the groups gnomAD compares: East Asian, 0.0045%; no homozygotes.

Submissions (2):

Ambry Genetics
Classification: Uncertain significance for Inborn genetic diseases. Last evaluated: 2024-12-05. Review status: criteria provided, single submitter. Criteria: Ambry Variant Classification Scheme 2023. Collection method: clinical testing. Allele origin: germline.

Labcorp Genetics (formerly Invitae), Labcorp
Classification: Uncertain significance. Last evaluated: 2022-06-27. Review status: criteria provided, single submitter. Criteria: Invitae Variant Classification Sherloc (09022015). Collection method: clinical testing. Allele origin: germline.
Comment: In summary, the available evidence is currently insufficient to determine the role of this variant in disease. Therefore, it has been classified as a Variant of Uncertain Significance. This sequence change replaces arginine, which is basic and polar, with histidine, which is basic and polar, at codon 250 of the CDT1 protein (p.Arg250His). This variant is present in population databases (rs774484812, gnomAD 0.006%). This variant has not been reported in the literature in individuals affected with CDT1-related conditions. Algorithms developed to predict the effect of missense changes on protein structure and function are either unavailable or do not agree on the potential impact of this missense change (SIFT: "Deleterious"; PolyPhen-2: "Possibly Damaging"; Align-GVGD: "Class C0").

NM_030928.4(CDT1):c.749G>A (p.Arg250His)

Gene: CDT1 (chromatin licensing and DNA replication factor 1; plus strand). Cytogenetic location: 16q24.3.
Variant type: single nucleotide variant.
Coding change: c.749G>A on transcript NM_030928.4 (MANE Select); coding-DNA position 749, G replaced by A.
Protein change: p.Arg250His; replaces arginine 250 with histidine.
Molecular consequence: missense variant.
Genome position (GRCh38, 1-based): chr16:88,805,786, G>A. VCF-style: chr16-88805786-G-A. GRCh37 (hg19) VCF-style: chr16-88872194-G-A.
Other names: c.749G>A (NM_030928.3); short protein forms R250H.
Identifiers: ClinVar variation 1431585 (VCV001431585.8), dbSNP rs774484812, ClinGen allele CA8233803.